The following is an entry in ClinVar:

NM_012158.4(FBXL3):c.471+1508A>G

Gene: FBXL3 (F-box and leucine rich repeat protein 3; minus strand). Cytogenetic location: 13q22.3.
Variant type: single nucleotide variant.
Coding change: c.471+1508A>G on transcript NM_012158.4 (MANE Select); 1508 bases into the intron after coding-DNA position 471, A replaced by G.
Molecular consequence: intron variant.
Genome position (GRCh38, 1-based): chr13:77,017,092, T>C on the plus strand (A>G on the coding strand, the complement: FBXL3 is on the minus strand). VCF-style: chr13-77017092-T-C. GRCh37 (hg19) VCF-style: chr13-77591227-T-C.
Identifiers: ClinVar variation 3256829 (VCV003256829.2).

ClinVar aggregate classification (germline): Benign (1 of 4 stars; one submission).

Submission:

Unidad de Genómica Garrahan, Hospital de Pediatría Garrahan
Classification: Benign. Last evaluated: 2024-07-31. Review status: criteria provided, single submitter. Criteria: ACMG Guidelines, 2015. Collection method: clinical testing. Allele origin: germline. Affected: no. Observed: 23 variant alleles.
Comment: This variant is classified as Benign based on local population frequency. This variant was detected in 25% of patients studied in a panel designed for Epileptic and Developmental Encephalopathy, Progressive Myoclonus Epilepsy and Abnormal Movements and Neurodegeneration with brain iron accumulation. Number of patients: 23. Only high quality variants are reported.